The following is an entry in ClinVar:

ClinVar aggregate classification (germline): Uncertain significance. Review status: criteria provided, multiple submitters, no conflicts (2 of 4 stars). 2 submissions from 2 submitters: Uncertain significance (2). Last evaluated 2026-07-07.

Conditions:
Cardiovascular phenotype. Identifiers: MedGen CN230736.

gnomAD v4.1: 1 of 1,613,182 alleles (0.000062%); highest among the groups gnomAD compares: East Asian, 0.0022%; no homozygotes.

Submissions (2):

Ambry Genetics
Classification: Uncertain significance for Cardiovascular phenotype. Last evaluated: 2026-07-07. Review status: criteria provided, single submitter. Criteria: Ambry Variant Classification Scheme 2023. Collection method: clinical testing. Allele origin: germline.
Comment: The p.Y83C variant (also known as c.248A>G), located in coding exon 1 of the FLNC gene, results from an A to G substitution at nucleotide position 248. The tyrosine at codon 83 is replaced by cysteine, an amino acid with highly dissimilar properties. This amino acid position is conserved. In addition, the in silico prediction for this alteration is inconclusive. Based on the available evidence, the clinical significance of this variant remains unclear.

Blueprint Genetics
Classification: Uncertain significance. Last evaluated: 2024-10-31. Review status: criteria provided, single submitter. Criteria: ACMG Guidelines, 2015. Collection method: clinical testing. Allele origin: germline.

NM_001458.5(FLNC):c.248A>G (p.Tyr83Cys)

Gene: FLNC (filamin C; plus strand). Cytogenetic location: 7q32.1.
Variant type: single nucleotide variant.
Coding change: c.248A>G on transcript NM_001458.5 (MANE Select); coding-DNA position 248, A replaced by G.
Protein change: p.Tyr83Cys; replaces tyrosine 83 with cysteine.
Molecular consequence: missense variant.
Genome position (GRCh38, 1-based): chr7:128,830,885, A>G. VCF-style: chr7-128830885-A-G. GRCh37 (hg19) VCF-style: chr7-128470939-A-G.
Other names: c.248A>G, p.Tyr83Cys (NM_001127487.2); short protein forms Y83C.
Identifiers: ClinVar variation 4897793 (VCV004897793.2).
Genomic context (GRCh38, chr7:128,830,885, plus strand): 5'-ACCTCAGCGACGGGCTCCGGCTCATCGCGCTGCTCGAGGTGCTCAGCCAGAAGCGCATGT[A>G]CCGCAAGTTCCATCCGCGCCCCAACTTCCGCCAAATGAAGCTGGAGAACGTGTCCGTGGC-3'
Protein context (NP_001449.3, residues 73-93): LLEVLSQKRM[Tyr83Cys]RKFHPRPNFR